The following is an entry in ClinVar:

NM_000057.4(BLM):c.1681T>A (p.Phe561Ile)

Gene: BLM (BLM RecQ like helicase; plus strand). Cytogenetic location: 15q26.1.
Variant type: single nucleotide variant.
Coding change: c.1681T>A on transcript NM_000057.4 (MANE Select); coding-DNA position 1681, T replaced by A.
Protein change: p.Phe561Ile; replaces phenylalanine 561 with isoleucine.
Molecular consequence: missense variant.
Genome position (GRCh38, 1-based): chr15:90,761,054, T>A. VCF-style: chr15-90761054-T-A. GRCh37 (hg19) VCF-style: chr15-91304284-T-A.
Other names: c.1681T>A, p.Phe561Ile (NM_001287246.2, NM_001287247.2); c.556T>A, p.Phe186Ile (NM_001287248.2); c.1681T>A (NM_000057.3); short protein forms F186I, F561I.
Identifiers: ClinVar variation 2603749 (VCV002603749.5), dbSNP rs1895970775, ClinGen allele CA393843601.

ClinVar aggregate classification (germline): Uncertain significance. Review status: criteria provided, multiple submitters, no conflicts (2 of 4 stars). 3 submissions from 3 submitters: Uncertain significance (3). Last evaluated 2025-06-25.

Conditions:
BLM-related disorder. Also called: BLM-related condition.
Hereditary cancer-predisposing syndrome. Also called: Tumor predisposition; Hereditary Cancer Syndrome; Hereditary neoplastic syndrome; Neoplastic Syndromes, Hereditary. Identifiers: Orphanet 140162, MedGen C0027672, MeSH D009386, MONDO:0015356.
Bloom syndrome (BLM). Also called: Bloom-Torre-Machacek syndrome. Identifiers: Orphanet 125, MedGen C0005859, MONDO:0008876, OMIM 210900.

Allele frequency attached by ClinVar (database versions not stated): TOPMed below 0.00001.

Submissions (3):

Ambry Genetics
Classification: Uncertain significance for Hereditary cancer-predisposing syndrome. Last evaluated: 2025-06-25. Review status: criteria provided, single submitter. Criteria: Ambry Variant Classification Scheme 2023. Collection method: clinical testing. Allele origin: germline.
Comment: The p.F561I variant (also known as c.1681T>A), located in coding exon 6 of the BLM gene, results from a T to A substitution at nucleotide position 1681. The phenylalanine at codon 561 is replaced by isoleucine, an amino acid with highly similar properties. This amino acid position is conserved. In addition, this alteration is predicted to be tolerated by in silico analysis. Since supporting evidence is limited at this time, the clinical significance of this alteration remains unclear.

Labcorp Genetics (formerly Invitae), Labcorp
Classification: Uncertain significance for Bloom syndrome. Last evaluated: 2024-03-26. Review status: criteria provided, single submitter. Criteria: Invitae Variant Classification Sherloc (09022015). Collection method: clinical testing. Allele origin: germline.
Comment: This sequence change replaces phenylalanine, which is neutral and non-polar, with isoleucine, which is neutral and non-polar, at codon 561 of the BLM protein (p.Phe561Ile). This variant is not present in population databases (gnomAD no frequency). This variant has not been reported in the literature in individuals affected with BLM-related conditions. ClinVar contains an entry for this variant (Variation ID: 2603749). Advanced modeling of protein sequence and biophysical properties (such as structural, functional, and spatial information, amino acid conservation, physicochemical variation, residue mobility, and thermodynamic stability) performed at Invitae indicates that this missense variant is not expected to disrupt BLM protein function with a negative predictive value of 80%. In summary, the available evidence is currently insufficient to determine the role of this variant in disease. Therefore, it has been classified as a Variant of Uncertain Significance.

PreventionGenetics, part of Exact Sciences
Classification: Uncertain significance for BLM-related condition. Last evaluated: 2023-05-25. Review status: criteria provided, single submitter. Criteria: ACMG Guidelines, 2015. Collection method: clinical testing. Allele origin: germline.
Comment: The BLM c.1681T>A variant is predicted to result in the amino acid substitution p.Phe561Ile. To our knowledge, this variant has not been reported in the literature or in a large population database, indicating this variant is rare. At this time, the clinical significance of this variant is uncertain due to the absence of conclusive functional and genetic evidence.